The following is an entry in ClinVar:

ClinVar aggregate classification (germline): Pathogenic (1 of 4 stars; one submission).

Submission:

Labcorp Genetics (formerly Invitae), Labcorp
Classification: Pathogenic. Last evaluated: 2022-08-24. Review status: criteria provided, single submitter. Criteria: Invitae Variant Classification Sherloc (09022015). Collection method: clinical testing. Allele origin: germline.
Comment: For these reasons, this variant has been classified as Pathogenic. Algorithms developed to predict the effect of sequence changes on RNA splicing suggest that this variant may disrupt the consensus splice site. This variant has not been reported in the literature in individuals affected with SPTA1-related conditions. This variant is not present in population databases (gnomAD no frequency). This sequence change creates a premature translational stop signal (p.Glu1470*) in the SPTA1 gene. It is expected to result in an absent or disrupted protein product. Loss-of-function variants in SPTA1 are known to be pathogenic (PMID: 9192783, 18815189, 31333484, 31723846, 32266426).

Literature cited by the submitters: PubMed 9192783; PubMed 18815189; PubMed 31333484; PubMed 31723846; PubMed 32266426.

NM_003126.4(SPTA1):c.4408G>T (p.Glu1470Ter)

Gene: SPTA1 (spectrin alpha, erythrocytic 1; minus strand). Cytogenetic location: 1q23.1.
Variant type: single nucleotide variant.
Coding change: c.4408G>T on transcript NM_003126.4 (MANE Select); coding-DNA position 4408, G replaced by T.
Protein change: p.Glu1470Ter; replaces glutamic acid 1470 with a stop codon.
Molecular consequence: nonsense.
Genome position (GRCh38, 1-based): chr1:158,643,356, C>A on the plus strand (G>T on the coding strand, the complement: SPTA1 is on the minus strand). VCF-style: chr1-158643356-C-A. GRCh37 (hg19) VCF-style: chr1-158613146-C-A.
Other names: short protein forms E1470*.
Identifiers: ClinVar variation 2026750 (VCV002026750.4), dbSNP rs376552785, ClinGen allele CA343031137.